The following is an entry in ClinVar:

NM_000135.4(FANCA):c.433C>G (p.Leu145Val)

Gene: FANCA (FA complementation group A; minus strand). Cytogenetic location: 16q24.3.
Variant type: single nucleotide variant.
Coding change: c.433C>G on transcript NM_000135.4 (MANE Select); coding-DNA position 433, C replaced by G.
Protein change: p.Leu145Val; replaces leucine 145 with valine.
Molecular consequence: missense variant. On other transcripts: intron variant (1).
Genome position (GRCh38, 1-based): chr16:89,810,796, G>C on the plus strand (C>G on the coding strand, the complement: FANCA is on the minus strand). VCF-style: chr16-89810796-G-C. GRCh37 (hg19) VCF-style: chr16-89877204-G-C.
Other names: c.433C>G, p.Leu145Val (NM_001018112.3, NM_001286167.3); c.426+133C>G (NM_001351830.2); short protein forms L145V.
Identifiers: ClinVar variation 4022122 (VCV004022122.1).

ClinVar aggregate classification (germline): Uncertain significance (1 of 4 stars; one submission).

Conditions:
Inborn genetic diseases. Identifiers: MedGen C0950123, MeSH D030342.

gnomAD v4.1: 2 of 1,612,544 alleles (0.00012%); highest among the groups gnomAD compares: Middle Eastern, 0.017%; no homozygotes.

Submission:

Ambry Genetics
Classification: Uncertain significance for Inborn genetic diseases. Last evaluated: 2025-03-28. Review status: criteria provided, single submitter. Criteria: Ambry Variant Classification Scheme 2023. Collection method: clinical testing. Allele origin: germline.
Comment: The p.L145V variant (also known as c.433C>G), located in coding exon 5 of the FANCA gene, results from a C to G substitution at nucleotide position 433. The leucine at codon 145 is replaced by valine, an amino acid with highly similar properties. This amino acid position is conserved. In addition, this alteration is predicted to be tolerated by in silico analysis. Based on the available evidence, the clinical significance of this variant remains unclear.